The following is an entry in ClinVar:

ClinVar aggregate classification (germline): Uncertain significance. Review status: criteria provided, multiple submitters, no conflicts (2 of 4 stars). 2 submissions from 2 submitters: Uncertain significance (2). Last evaluated 2024-11-08.

Submissions (2):

Labcorp Genetics (formerly Invitae), Labcorp
Classification: Uncertain significance. Last evaluated: 2024-11-08. Review status: criteria provided, single submitter. Criteria: Invitae Variant Classification Sherloc (09022015). Collection method: clinical testing. Allele origin: germline.
Comment: This sequence change replaces glutamine, which is neutral and polar, with arginine, which is basic and polar, at codon 11 of the IMPDH1 protein (p.Gln11Arg). This variant is not present in population databases (gnomAD no frequency). This variant has not been reported in the literature in individuals affected with IMPDH1-related conditions. An algorithm developed to predict the effect of missense changes on protein structure and function outputs the following: PolyPhen-2: "Not Available". The arginine amino acid residue is found in multiple mammalian species, which suggests that this missense change does not adversely affect protein function. In summary, the available evidence is currently insufficient to determine the role of this variant in disease. Therefore, it has been classified as a Variant of Uncertain Significance.

Blueprint Genetics
Classification: Uncertain significance. Last evaluated: 2022-06-14. Review status: criteria provided, single submitter. Criteria: ACMG Guidelines, 2015. Collection method: clinical testing. Allele origin: germline.

NM_000883.4(IMPDH1):c.32A>G (p.Gln11Arg)

Genes: IMPDH1 (inosine monophosphate dehydrogenase 1; minus strand), LOC129999258 (ATAC-STARR-seq lymphoblastoid silent region 18606; plus strand). Cytogenetic location: 7q32.1.
Variant type: single nucleotide variant.
Coding change: c.32A>G on transcript NM_000883.4 (MANE Select); coding-DNA position 32, A replaced by G.
Protein change: p.Gln11Arg; replaces glutamine 11 with arginine.
Molecular consequence: missense variant.
Genome position (GRCh38, 1-based): chr7:128,409,870, T>C on the plus strand (A>G on the coding strand, the complement: IMPDH1 is on the minus strand). VCF-style: chr7-128409870-T-C. GRCh37 (hg19) VCF-style: chr7-128049924-T-C.
Other names: c.32A>G, p.Gln11Arg (NM_001102605.2, NM_001142576.2, NM_001304521.2 and 1 more transcripts); short protein forms Q11R.
Identifiers: ClinVar variation 3694419 (VCV003694419.3).